The following is an entry in ClinVar:

ClinVar aggregate classification (germline): Likely benign. Review status: criteria provided, multiple submitters, no conflicts (2 of 4 stars). 2 submissions from 2 submitters: Likely benign (2). Last evaluated 2023-12-04.

Conditions:
Glutathione synthetase deficiency with 5-oxoprolinuria. Also called: Gluthathione synthetase deficiency; Reduced glutathione synthetase level; 5-OXOPROLINURIA DUE TO GLUTATHIONE SYNTHETASE DEFICIENCY; PYROGLUTAMIC ACIDURIA; 5-Oxoprolinuria. Identifiers: Orphanet 289846, MedGen C0398746, MONDO:0009947, OMIM 266130, HP:0003343.

Allele frequency attached by ClinVar (database versions not stated): gnomAD 0.00001; gnomAD exomes 0.00001; TOPMed 0.00001; ExAC 0.00002.
gnomAD v4.1: 6 of 1,614,100 alleles (0.00037%); highest among the groups gnomAD compares: East Asian, 0.0022%; 1 homozygote.

Submissions (2):

Labcorp Genetics (formerly Invitae), Labcorp
Classification: Likely benign for Glutathione synthetase deficiency with 5-oxoprolinuria. Last evaluated: 2023-12-04. Review status: criteria provided, single submitter. Criteria: Invitae Variant Classification Sherloc (09022015). Collection method: clinical testing. Allele origin: germline.

GeneDx
Classification: Likely benign. Last evaluated: 2016-03-07. Review status: criteria provided, single submitter. Criteria: GeneDx Variant Classification (06012015). Collection method: clinical testing. Allele origin: germline. Affected: yes.
Comment: This variant is considered likely benign or benign based on one or more of the following criteria: it is a conservative change, it occurs at a poorly conserved position in the protein, it is predicted to be benign by multiple in silico algorithms, and/or has population frequency not consistent with disease.

NM_000178.4(GSS):c.981T>C (p.Ala327=)

Gene: GSS (glutathione synthetase; minus strand). Cytogenetic location: 20q11.22.
Variant type: single nucleotide variant.
Coding change: c.981T>C on transcript NM_000178.4 (MANE Select); coding-DNA position 981, T replaced by C.
Protein change: p.Ala327=; no amino-acid change (alanine 327 retained).
Molecular consequence: synonymous variant.
Genome position (GRCh38, 1-based): chr20:34,931,987, A>G on the plus strand (T>C on the coding strand, the complement: GSS is on the minus strand). VCF-style: chr20-34931987-A-G. GRCh37 (hg19) VCF-style: chr20-33519790-A-G.
Other names: c.981T>C, p.Ala327= (LRG_1168t1, NM_001322494.1, NM_001322495.1).
Identifiers: ClinVar variation 383044 (VCV000383044.4), dbSNP rs761196398, ClinGen allele CA9825921.